The following is an entry in ClinVar:

ClinVar aggregate classification (germline): Uncertain significance (1 of 4 stars; one submission).

Submission:

Labcorp Genetics (formerly Invitae), Labcorp
Classification: Uncertain significance. Last evaluated: 2025-11-01. Review status: criteria provided, single submitter. Criteria: Invitae Variant Classification Sherloc (09022015). Collection method: clinical testing. Allele origin: germline.
Comment: This sequence change replaces leucine, which is neutral and non-polar, with valine, which is neutral and non-polar, at codon 626 of the PLEKHM2 protein (p.Leu626Val). This variant is present in population databases (rs768661902, gnomAD 0.01%). This variant has not been reported in the literature in individuals affected with PLEKHM2-related conditions. ClinVar contains an entry for this variant (Variation ID: 2732016). An algorithm developed to predict the effect of missense changes on protein structure and function (PolyPhen-2) suggests that this variant is likely to be tolerated. In summary, the available evidence is currently insufficient to determine the role of this variant in disease. Therefore, it has been classified as a Variant of Uncertain Significance.

NM_015164.4(PLEKHM2):c.1876C>G (p.Leu626Val)

Gene: PLEKHM2 (pleckstrin homology and RUN domain containing M2; plus strand). Cytogenetic location: 1p36.21.
Variant type: single nucleotide variant.
Coding change: c.1876C>G on transcript NM_015164.4 (MANE Select); coding-DNA position 1876, C replaced by G.
Protein change: p.Leu626Val; replaces leucine 626 with valine.
Molecular consequence: missense variant.
Genome position (GRCh38, 1-based): chr1:15,728,312, C>G. VCF-style: chr1-15728312-C-G. GRCh37 (hg19) VCF-style: chr1-16054807-C-G.
Other names: c.1816C>G, p.Leu606Val (NM_001410755.1); short protein forms L606V, L626V.
Identifiers: ClinVar variation 2732016 (VCV002732016.3), dbSNP rs768661902, ClinGen allele CA617049.
Genomic context (GRCh38, chr1:15,728,312, plus strand): 5'-TGCTTCGGCCCCCAGATGATCCGGATGAGCACCGGGCACATGGAGGGCAACCTGCAGCTG[C>G]TGTACGTGCTGCTCACAGACTGCTATGTCTACCTGCTCCGGAAAGGTGCCCGCCGCCCCC-3'
Protein context (NP_055979.2, residues 616-636): TGHMEGNLQL[Leu626Val]YVLLTDCYVY